The following is an entry in ClinVar:

NM_000264.5(PTCH1):c.3984A>C (p.Glu1328Asp)

Gene: PTCH1 (patched 1; minus strand). Cytogenetic location: 9q22.32.
Variant type: single nucleotide variant.
Coding change: c.3984A>C on transcript NM_000264.5 (MANE Select); coding-DNA position 3984, A replaced by C.
Protein change: p.Glu1328Asp; replaces glutamic acid 1328 with aspartic acid.
Molecular consequence: missense variant. On other transcripts: non-coding transcript variant (1).
Genome position (GRCh38, 1-based): chr9:95,447,272, T>G on the plus strand (A>C on the coding strand, the complement: PTCH1 is on the minus strand). VCF-style: chr9-95447272-T-G. GRCh37 (hg19) VCF-style: chr9-98209554-T-G.
Other names: c.3984A>C (NM_000264.3); c.3786A>C, p.Glu1262Asp (NM_001083602.3); c.3981A>C, p.Glu1327Asp (NM_001083603.3); c.3531A>C, p.Glu1177Asp (NM_001083604.3, NM_001083605.3, NM_001083606.3 and 1 more transcripts); c.3828A>C, p.Glu1276Asp (NM_001354918.2); short protein forms E1262D, E1327D, E1177D, E1276D, E1328D.
Identifiers: ClinVar variation 1476696 (VCV001476696.11), dbSNP rs1394160194, ClinGen allele CA374110537.

ClinVar aggregate classification (germline): Uncertain significance. Review status: criteria provided, multiple submitters, no conflicts (2 of 4 stars). 2 submissions from 2 submitters: Uncertain significance (2). Last evaluated 2025-08-31.

Conditions:
Hereditary cancer-predisposing syndrome. Also called: Hereditary neoplastic syndrome; Tumor predisposition; Neoplastic Syndromes, Hereditary; Hereditary Cancer Syndrome. Identifiers: Orphanet 140162, MedGen C0027672, MeSH D009386, MONDO:0015356.
Gorlin syndrome. Also called: Nevoid Basal Cell Carcinoma Syndrome; Basal cell nevus syndrome. Identifiers: Orphanet 377, MedGen C0004779, MONDO:0007187.

Allele frequency attached by ClinVar (database versions not stated): TOPMed below 0.00001; gnomAD 0.00001.
gnomAD v4.1: 1 of 1,612,818 alleles (0.000062%); highest among the groups gnomAD compares: African/African-American, 0.0013%; no homozygotes.

Submissions (2):

Ambry Genetics
Classification: Uncertain significance for Hereditary cancer-predisposing syndrome. Last evaluated: 2025-08-31. Review status: criteria provided, single submitter. Criteria: Ambry Variant Classification Scheme 2023. Collection method: clinical testing. Allele origin: germline.
Comment: The p.E1328D variant (also known as c.3984A>C), located in coding exon 23 of the PTCH1 gene, results from an A to C substitution at nucleotide position 3984. The glutamic acid at codon 1328 is replaced by aspartic acid, an amino acid with highly similar properties. This amino acid position is conserved. In addition, this alteration is predicted to be tolerated by in silico analysis. Since supporting evidence is limited at this time, the clinical significance of this alteration remains unclear.

Labcorp Genetics (formerly Invitae), Labcorp
Classification: Uncertain significance for Gorlin syndrome. Last evaluated: 2021-08-12. Review status: criteria provided, single submitter. Criteria: Invitae Variant Classification Sherloc (09022015). Collection method: clinical testing. Allele origin: germline.
Comment: This sequence change replaces glutamic acid with aspartic acid at codon 1328 of the PTCH1 protein (p.Glu1328Asp). The glutamic acid residue is moderately conserved and there is a small physicochemical difference between glutamic acid and aspartic acid. This variant is not present in population databases (ExAC no frequency). This variant has not been reported in the literature in individuals with PTCH1-related conditions. Advanced modeling of protein sequence and biophysical properties (such as structural, functional, and spatial information, amino acid conservation, physicochemical variation, residue mobility, and thermodynamic stability) performed at Invitae indicates that this missense variant is not expected to disrupt PTCH1 protein function. In summary, the available evidence is currently insufficient to determine the role of this variant in disease. Therefore, it has been classified as a Variant of Uncertain Significance.